The following is an entry in ClinVar:

ClinVar aggregate classification (germline): Uncertain significance. Review status: criteria provided, multiple submitters, no conflicts (2 of 4 stars). 2 submissions from 2 submitters: Uncertain significance (2). Last evaluated 2024-10-10.

Conditions:
RIPK1-related disorder. Also called: RIPK1-related condition.

Allele frequency attached by ClinVar (database versions not stated): 1000 Genomes Project 30x 0.00016; 1000 Genomes Project 0.00020.
gnomAD v4.1: 32 of 1,578,986 alleles (0.002%); highest among the groups gnomAD compares: Admixed American, 0.019%; no homozygotes.

Submissions (2):

Labcorp Genetics (formerly Invitae), Labcorp
Classification: Uncertain significance. Last evaluated: 2024-10-10. Review status: criteria provided, single submitter. Criteria: Invitae Variant Classification Sherloc (09022015). Collection method: clinical testing. Allele origin: germline.
Comment: This sequence change replaces valine, which is neutral and non-polar, with methionine, which is neutral and non-polar, at codon 301 of the RIPK1 protein (p.Val301Met). This variant is present in population databases (rs558445528, gnomAD 0.009%). This variant has not been reported in the literature in individuals affected with RIPK1-related conditions. ClinVar contains an entry for this variant (Variation ID: 1523520). An algorithm developed to predict the effect of missense changes on protein structure and function (PolyPhen-2) suggests that this variant is likely to be disruptive. In summary, the available evidence is currently insufficient to determine the role of this variant in disease. Therefore, it has been classified as a Variant of Uncertain Significance.

PreventionGenetics, part of Exact Sciences
Classification: Uncertain significance for RIPK1-related condition. Last evaluated: 2022-10-11. Review status: criteria provided, single submitter. Criteria: ACMG Guidelines, 2015. Collection method: clinical testing. Allele origin: germline.
Comment: The RIPK1 c.901G>A variant is predicted to result in the amino acid substitution p.Val301Met. To our knowledge, this variant has not been reported in the literature. This variant is reported in 0.0090% of alleles in individuals of Latino descent in gnomAD. At this time, the clinical significance of this variant is uncertain due to the absence of conclusive functional and genetic evidence.

NM_001354930.2(RIPK1):c.901G>A (p.Val301Met)

Gene: RIPK1 (receptor interacting serine/threonine kinase 1; plus strand). Cytogenetic location: 6p25.2.
Variant type: single nucleotide variant.
Coding change: c.901G>A on transcript NM_001354930.2 (MANE Select); coding-DNA position 901, G replaced by A.
Protein change: p.Val301Met; replaces valine 301 with methionine.
Molecular consequence: missense variant.
Genome position (GRCh38, 1-based): chr6:3,089,643, G>A. VCF-style: chr6-3089643-G-A. GRCh37 (hg19) VCF-style: chr6-3089877-G-A.
Other names: c.901G>A (NM_003804.4); c.412G>A, p.Val138Met (NM_001317061.3, NM_001354932.2, NM_001354933.2 and 1 more transcripts); c.763G>A, p.Val255Met (NM_001354931.2); c.901G>A, p.Val301Met (NM_003804.6); short protein forms V255M, V301M, V138M.
Identifiers: ClinVar variation 1523520 (VCV001523520.10), dbSNP rs558445528, ClinGen allele CA3618319.